The following is an entry in ClinVar:

ClinVar aggregate classification (germline): Uncertain significance. Review status: criteria provided, multiple submitters, no conflicts (2 of 4 stars). 2 submissions from 2 submitters: Uncertain significance (2). Last evaluated 2022-07-01.

Conditions:
Bartter disease type 4A. Also called: BARTTER SYNDROME, TYPE 4A, NEONATAL, WITH SENSORINEURAL DEAFNESS; BARTTER SYNDROME, NEONATAL, WITH SENSORINEURAL DEAFNESS. Identifiers: Orphanet 112, MedGen C1865270, MONDO:0011242, OMIM 602522.

Allele frequency attached by ClinVar (database versions not stated): gnomAD exomes 0.00001.
gnomAD v4.1: 2 of 1,614,216 alleles (0.00012%); highest among the groups gnomAD compares: Admixed American, 0.0033%; no homozygotes.

Submissions (2):

GeneDx
Classification: Uncertain significance. Last evaluated: 2022-07-01. Review status: criteria provided, single submitter. Criteria: GeneDx Variant Classification Process June 2021. Collection method: clinical testing. Allele origin: germline. Affected: yes.
Comment: Not observed at significant frequency in large population cohorts (gnomAD); In silico analysis supports that this missense variant does not alter protein structure/function; Has not been previously published as pathogenic or benign to our knowledge

Fulgent Genetics
Classification: Uncertain significance for Bartter disease type 4A. Last evaluated: 2022-03-07. Review status: criteria provided, single submitter. Criteria: ACMG Guidelines, 2015. Collection method: clinical testing. Allele origin: unknown.

NM_057176.3(BSND):c.670C>A (p.Pro224Thr)

Gene: BSND (barttin CLCNK type accessory subunit beta; plus strand). Cytogenetic location: 1p32.3.
Variant type: single nucleotide variant.
Coding change: c.670C>A on transcript NM_057176.3 (MANE Select); coding-DNA position 670, C replaced by A.
Protein change: p.Pro224Thr; replaces proline 224 with threonine.
Molecular consequence: missense variant.
Genome position (GRCh38, 1-based): chr1:55,008,335, C>A. VCF-style: chr1-55008335-C-A. GRCh37 (hg19) VCF-style: chr1-55474008-C-A.
Other names: short protein forms P224T.
Identifiers: ClinVar variation 1693357 (VCV001693357.3), dbSNP rs1465563174, ClinGen allele CA340478212.